The following is an entry in ClinVar:

ClinVar aggregate classification (germline): Pathogenic. Review status: reviewed by expert panel (3 of 4 stars). 28 submissions from 28 submitters: Pathogenic (1). 27 of the submissions do not count toward it. Last evaluated 2016-09-08.

Conditions:
Inherited ovarian cancer (without breast cancer).
BRCA2-related disorder. Also called: BRCA2-related condition; BRCA2-related disorders. Identifiers: MedGen CN239275.
Familial pancreatic carcinoma. Identifiers: Orphanet 1333, MedGen C2931038, MONDO:0015278, OMIM 260350.
Hereditary cancer-predisposing syndrome. Also called: Neoplastic Syndromes, Hereditary; Tumor predisposition; Hereditary Cancer Syndrome; Hereditary neoplastic syndrome. Identifiers: Orphanet 140162, MedGen C0027672, MeSH D009386, MONDO:0015356.
Hereditary breast ovarian cancer syndrome. Also called: Hereditary breast and/or ovarian cancer syndrome; Hereditary breast and ovarian cancer syndrome; Hereditary breast and ovarian cancer; Hereditary breast and ovarian cancer syndrome (HBOC); Breast and ovarian cancer; BRCA1- and BRCA2-Associated Hereditary Breast and Ovarian Cancer. Identifiers: Orphanet 145, MedGen C0677776, MeSH D061325, MONDO:0003582. Disease mechanism: loss of function.
Breast-ovarian cancer, familial, susceptibility to, 2 (BROVCA2). Also called: BRCA2 Hereditary Breast and Ovarian Cancer. Identifiers: Orphanet 145, MedGen C2675520, MONDO:0012933, OMIM 612555. Disease mechanism: loss of function.
Familial cancer of breast. Also called: Hereditary breast cancer; BREAST CANCER, FAMILIAL; hereditary breast carcinoma. Identifiers: Orphanet 227535, MedGen C0346153, MONDO:0016419, OMIM 114480. Disease mechanism: loss of function.
Breast carcinoma. Also called: Carcinoma of breast. Identifiers: MedGen C0678222, MONDO:0004989, HP:0003002.

Submissions 1 to 16 of 28:

Evidence-based Network for the Interpretation of Germline Mutant Alleles (ENIGMA)
Classification: Pathogenic for Breast-ovarian cancer, familial, susceptibility to, 2. Last evaluated: 2016-09-08. Review status: reviewed by expert panel. Criteria: ENIGMA BRCA1/2 Classification Criteria (2015). Collection method: curation. Allele origin: germline.
Comment: Variant allele predicted to encode a truncated non-functional protein.

CeGaT Center for Human Genetics Tuebingen
Classification: Pathogenic. Last evaluated: 2026-08-01. Review status: criteria provided, single submitter. Criteria: CeGaT Center For Human Genetics Tuebingen Variant Classification Criteria Version 2. Collection method: clinical testing. Allele origin: germline. Affected: yes. Observed: 4 variant alleles. Not counted in ClinVar's aggregate classification.
Comment: BRCA2: PVS1, PM2, PS4:Moderate

KCCC/NGS Laboratory, Kuwait Cancer Control Center
Classification: Pathogenic for Breast-ovarian cancer, familial, susceptibility to, 2. Last evaluated: 2026-07-06. Review status: criteria provided, single submitter. Criteria: ACMG Guidelines, 2015. Collection method: clinical testing. Allele origin: germline. Inheritance: Autosomal dominant inheritance. Affected: yes. Not counted in ClinVar's aggregate classification.
Comment: A known pathogenic mutation was detected in BRCA2 gene

Genetics Laboratory, Great Ormond Street Hospital NHS Foundation Trust, North Thames Genomic Laboratory Hub
Classification: Pathogenic for Inherited ovarian cancer (without breast cancer). Last evaluated: 2026-02-17. Review status: criteria provided, single submitter. Criteria: CanVIG BRCA Gene Specific V1.22. Collection method: clinical testing. Allele origin: germline. Affected: yes. Not counted in ClinVar's aggregate classification.
Comment: PS4_supporting, PM2_supporting, PVS1_very-strong, PM5_strong

Labcorp Genetics (formerly Invitae), Labcorp
Classification: Pathogenic for Hereditary breast ovarian cancer syndrome. Last evaluated: 2026-01-27. Review status: criteria provided, single submitter. Criteria: Invitae Variant Classification Sherloc (09022015). Collection method: clinical testing. Allele origin: germline. Not counted in ClinVar's aggregate classification.
Comment: This sequence change creates a premature translational stop signal (p.Thr1251Asnfs*14) in the BRCA2 gene. It is expected to result in an absent or disrupted protein product. Loss-of-function variants in BRCA2 are known to be pathogenic (PMID: 20104584). This variant is present in population databases (rs397507683, gnomAD 0.0009%). This premature translational stop signal has been observed in individual(s) with breast cancer and ovarian cancer (PMID: 12112655, 17826769, 27165220). This variant is also known as c.3976insA and c.3979insA. ClinVar contains an entry for this variant (Variation ID: 51516). For these reasons, this variant has been classified as Pathogenic.

Institute of Human Genetics, University of Leipzig Medical Center
Classification: Pathogenic for Familial cancer of breast. Last evaluated: 2025-11-21. Review status: criteria provided, single submitter. Criteria: ACMG Guidelines, 2015. Collection method: clinical testing. Allele origin: unknown. Inheritance: Autosomal dominant inheritance. Affected: yes. Not counted in ClinVar's aggregate classification.
Comment: Criteria applied: PVS1,PM5_STR

Genomic Medicine Center of Excellence, King Faisal Specialist Hospital and Research Centre
Classification: Pathogenic for Breast-ovarian cancer, familial, susceptibility to, 2. Last evaluated: 2025-09-10. Review status: criteria provided, single submitter. Criteria: ACMG Guidelines, 2015. Collection method: clinical testing. Allele origin: germline. Not counted in ClinVar's aggregate classification.

GeneKor MSA
Classification: Pathogenic for Hereditary breast ovarian cancer syndrome. Last evaluated: 2025-06-25. Review status: criteria provided, single submitter. Criteria: ACMG Guidelines, 2015. Collection method: clinical testing. Allele origin: germline. Affected: yes. Not counted in ClinVar's aggregate classification.
Comment: This is a single nucleotide duplication in exon 11 of the BRCA2 mRNA c.(3751dup), causing a frameshift after codon 1251. This creates a premature translational stop signal 14 amino acid residues later- p.(Thr1251Asnfs*14) and is expected to result in an absent or disrupted protein product. Loss-of-function variants in BRCA2 are known to be pathogenic (PMID:20104584). This variant is present in population databases (rs397507683). This alteration, also known as c.3976insA and c.3979insA, has been described in the international literature in individuals affected with ovarian cancer (PMID:12112655, 17826769) and in an individual affected with breast cancer (PMID:27165220). ClinVar contains entries for this variant (VCV000051516.82). Based on the classification criteria set by the ACMG and AMP (PMID:25741868) this variant has been classified as pathogenic.

Revvity Omics, Revvity
Classification: Pathogenic. Last evaluated: 2025-06-24. Review status: criteria provided, single submitter. Criteria: ACMG Guidelines, 2015. Collection method: clinical testing. Allele origin: germline. Not counted in ClinVar's aggregate classification.

Ambry Genetics
Classification: Pathogenic for Hereditary cancer-predisposing syndrome. Last evaluated: 2025-05-08. Review status: criteria provided, single submitter. Criteria: Ambry Variant Classification Scheme 2023. Collection method: clinical testing. Allele origin: germline. Not counted in ClinVar's aggregate classification.
Comment: The c.3751dupA pathogenic mutation, located in coding exon 10 of the BRCA2 gene, results from a duplication of A at nucleotide position 3751, causing a translational frameshift with a predicted alternate stop codon (p.T1251Nfs*14). Of note, this variant is also designated as 3976insA and 3979insA in published literature. In addition to the clinical data presented in the literature, this alteration is expected to result in loss of function by premature protein truncation or nonsense-mediated mRNA decay. As such, this alteration is interpreted as a disease-causing mutation.

Center for Genomic Medicine, Rigshospitalet, Copenhagen University Hospital
Classification: Pathogenic. Last evaluated: 2025-03-04. Review status: criteria provided, single submitter. Criteria: ACMG Guidelines, 2015. Collection method: clinical testing. Allele origin: germline. Not counted in ClinVar's aggregate classification.

Department of Human Genetics, Hannover Medical School
Classification: Pathogenic for Breast-ovarian cancer, familial, susceptibility to, 2. Last evaluated: 2024-06-11. Review status: criteria provided, single submitter. Criteria: ACMG Guidelines, 2015. Collection method: clinical testing. Allele origin: germline. Inheritance: Autosomal dominant inheritance. Affected: no. Not counted in ClinVar's aggregate classification.

Department of Clinical Genetics, Copenhagen University Hospital, Rigshospitalet
Classification: Pathogenic for Breast-ovarian cancer, familial, susceptibility to, 2. Last evaluated: 2024-05-27. Review status: criteria provided, single submitter. Criteria: ACMG Guidelines, 2015. Collection method: clinical testing. Allele origin: germline. Affected: yes. Not counted in ClinVar's aggregate classification.
Comment: PVS1; PM5_PTC_Strong

Department of Pathology and Laboratory Medicine, Sinai Health System
Classification: Pathogenic for Familial pancreatic carcinoma. Last evaluated: 2024-04-24. Review status: criteria provided, single submitter. Criteria: ACMG Guidelines, 2015. Collection method: clinical testing. Allele origin: germline. Affected: yes. Not counted in ClinVar's aggregate classification.

Baylor Genetics
Classification: Pathogenic for Familial cancer of breast. Last evaluated: 2024-03-29. Review status: criteria provided, single submitter. Criteria: ACMG Guidelines, 2015. Collection method: clinical testing. Allele origin: unknown. Not counted in ClinVar's aggregate classification.

Blueprint Genetics
Classification: Pathogenic for BRCA2-related disorders. Last evaluated: 2024-01-29. Review status: criteria provided, single submitter. Criteria: ACMG Guidelines, 2015. Collection method: clinical testing. Allele origin: germline. Affected: yes. Observed: 5 variant alleles. Not counted in ClinVar's aggregate classification.

NM_000059.4(BRCA2):c.3751dup (p.Thr1251fs)

Gene: BRCA2 (BRCA2 DNA repair associated; plus strand). Cytogenetic location: 13q13.1.
Variant type: Duplication.
Coding change: c.3751dup on transcript NM_000059.4 (MANE Select); coding-DNA position 3751, one base duplicated (A; older notation c.3751dupA).
Protein change: p.Thr1251fs; shifts the reading frame from threonine 1251.
Molecular consequence: frameshift variant.
Genome position (GRCh38, 1-based): chr13:32,338,106, A duplicated; the last of 3 consecutive A bases (chr13:32,338,104-32,338,106); duplicating any one gives the same sequence. VCF-style (leftmost placement, unchanged base first): chr13-32338103-G-GA. GRCh37 (hg19) VCF-style: chr13-32912240-G-GA.
Other names: c.3751dupA (NM_000059.4, NM_000059.3); short protein forms T1251fs.
Identifiers: ClinVar variation 51516 (VCV000051516.97), dbSNP rs397507683, ClinGen allele CA018719.
Genomic context (GRCh38, chr13:32,338,103, plus strand): 5'-TCTACTGAAGCTCTGCAAAAAGCTGTGAAACTGTTTAGTGATATTGAGAATATTAGTGAG[G>GA]AAACTTCTGCAGAGGTACATCCAATAAGTTTATCTTCAAGTAAATGTCATGATTCTGTTG-3'